The following is an entry in ClinVar:

NM_199355.4(ADAMTS18):c.91-1G>C

Gene: ADAMTS18 (ADAM metallopeptidase with thrombospondin type 1 motif 18; minus strand). Cytogenetic location: 16q23.1.
Variant type: single nucleotide variant.
Coding change: c.91-1G>C on transcript NM_199355.4 (MANE Select); the canonical splice acceptor site of the intron before coding-DNA position 91, G replaced by C.
Molecular consequence: splice acceptor variant.
Genome position (GRCh38, 1-based): chr16:77,434,506, C>G on the plus strand (G>C on the coding strand, the complement: ADAMTS18 is on the minus strand). VCF-style: chr16-77434506-C-G. GRCh37 (hg19) VCF-style: chr16-77468403-C-G.
Other names: c.-430-1G>C (NM_001326358.2).
Identifiers: ClinVar variation 1498731 (VCV001498731.6), dbSNP rs2144875247, ClinGen allele CA396851844.

ClinVar aggregate classification (germline): Likely pathogenic (1 of 4 stars; one submission).

Allele frequency attached by ClinVar (database versions not stated): gnomAD exomes below 0.00001.
gnomAD v4.1: 1 of 1,556,964 alleles (0.000064%); highest among the groups gnomAD compares: Non-Finnish European, 0.000087%; no homozygotes.

Submission:

Labcorp Genetics (formerly Invitae), Labcorp
Classification: Likely pathogenic. Last evaluated: 2022-10-05. Review status: criteria provided, single submitter. Criteria: Invitae Variant Classification Sherloc (09022015). Collection method: clinical testing. Allele origin: germline.
Comment: ClinVar contains an entry for this variant (Variation ID: 1498731). Algorithms developed to predict the effect of sequence changes on RNA splicing suggest that this variant may disrupt the consensus splice site. In summary, the currently available evidence indicates that the variant is pathogenic, but additional data are needed to prove that conclusively. Therefore, this variant has been classified as Likely Pathogenic. This variant has not been reported in the literature in individuals affected with ADAMTS18-related conditions. This sequence change affects an acceptor splice site in intron 1 of the ADAMTS18 gene. It is expected to disrupt RNA splicing. Variants that disrupt the donor or acceptor splice site typically lead to a loss of protein function (PMID: 16199547), and loss-of-function variants in ADAMTS18 are known to be pathogenic (PMID: 23818446, 24874986). This variant is not present in population databases (gnomAD no frequency).

Literature cited by the submitters: PubMed 16199547; PubMed 23818446; PubMed 24874986.